The following is an entry in ClinVar:

ClinVar aggregate classification (germline): Uncertain significance. Review status: criteria provided, multiple submitters, no conflicts (2 of 4 stars). 2 submissions from 2 submitters: Uncertain significance (2). Last evaluated 2025-01-13.

Conditions:
Hyperphosphatasia with impaired intellectual development syndrome 2. Also called: Hyperphosphatasia with intellectual disability syndrome 2; GLYCOSYLPHOSPHATIDYLINOSITOL BIOSYNTHESIS DEFECT 6. Identifiers: Orphanet 247262, MedGen C3553637, MONDO:0013882, OMIM 614749.

Allele frequency attached by ClinVar (database versions not stated): ExAC 0.00001; gnomAD exomes 0.00001; TOPMed 0.00001; gnomAD 0.00001.
gnomAD v4.1: 11 of 1,614,012 alleles (0.00068%); highest among the groups gnomAD compares: South Asian, 0.0011%; no homozygotes.

Submissions (2):

Labcorp Genetics (formerly Invitae), Labcorp
Classification: Uncertain significance for Hyperphosphatasia with impaired intellectual development syndrome 2. Last evaluated: 2025-01-13. Review status: criteria provided, single submitter. Criteria: Invitae Variant Classification Sherloc (09022015). Collection method: clinical testing. Allele origin: germline.
Comment: This sequence change replaces tyrosine, which is neutral and polar, with cysteine, which is neutral and slightly polar, at codon 301 of the PIGO protein (p.Tyr301Cys). This variant is present in population databases (rs771571749, gnomAD 0.002%). This variant has not been reported in the literature in individuals affected with PIGO-related conditions. ClinVar contains an entry for this variant (Variation ID: 944421). Invitae Evidence Modeling of protein sequence and biophysical properties (such as structural, functional, and spatial information, amino acid conservation, physicochemical variation, residue mobility, and thermodynamic stability) indicates that this missense variant is expected to disrupt PIGO protein function with a positive predictive value of 95%. In summary, the available evidence is currently insufficient to determine the role of this variant in disease. Therefore, it has been classified as a Variant of Uncertain Significance.

GeneDx
Classification: Uncertain significance. Last evaluated: 2022-02-15. Review status: criteria provided, single submitter. Criteria: GeneDx Variant Classification Process June 2021. Collection method: clinical testing. Allele origin: germline. Affected: yes.
Comment: Not observed at significant frequency in large population cohorts (gnomAD); In silico analysis supports that this missense variant has a deleterious effect on protein structure/function; Has not been previously published as pathogenic or benign to our knowledge; This variant is associated with the following publications: (PMID: 24417746)

NM_032634.4(PIGO):c.902A>G (p.Tyr301Cys)

Gene: PIGO (phosphatidylinositol glycan anchor biosynthesis class O; minus strand). Cytogenetic location: 9p13.3.
Variant type: single nucleotide variant.
Coding change: c.902A>G on transcript NM_032634.4 (MANE Select); coding-DNA position 902, A replaced by G.
Protein change: p.Tyr301Cys; replaces tyrosine 301 with cysteine.
Molecular consequence: missense variant.
Genome position (GRCh38, 1-based): chr9:35,093,458, T>C on the plus strand (A>G on the coding strand, the complement: PIGO is on the minus strand). VCF-style: chr9-35093458-T-C. GRCh37 (hg19) VCF-style: chr9-35093455-T-C.
Other names: c.902A>G, p.Tyr301Cys (NM_001201484.2, NM_152850.4); short protein forms Y301C.
Identifiers: ClinVar variation 944421 (VCV000944421.8), dbSNP rs771571749, ClinGen allele CA5040799.